The following is an entry in ClinVar:

NM_006514.4(SCN10A):c.2516T>C (p.Phe839Ser)

Gene: SCN10A (sodium voltage-gated channel alpha subunit 10; minus strand). Cytogenetic location: 3p22.2.
Variant type: single nucleotide variant.
Coding change: c.2516T>C on transcript NM_006514.4 (MANE Select); coding-DNA position 2516, T replaced by C.
Protein change: p.Phe839Ser; replaces phenylalanine 839 with serine.
Molecular consequence: missense variant.
Genome position (GRCh38, 1-based): chr3:38,728,666, A>G on the plus strand (T>C on the coding strand, the complement: SCN10A is on the minus strand). VCF-style: chr3-38728666-A-G. GRCh37 (hg19) VCF-style: chr3-38770157-A-G.
Other names: c.2516T>C, p.Phe839Ser (NM_001293306.2); c.2222T>C, p.Phe741Ser (NM_001293307.2); c.2516T>C (NM_006514.2); short protein forms F741S, F839S.
Identifiers: ClinVar variation 1506141 (VCV001506141.10), dbSNP rs1184583877, ClinGen allele CA352160303.

ClinVar aggregate classification (germline): Uncertain significance. Review status: criteria provided, multiple submitters, no conflicts (2 of 4 stars). 2 submissions from 2 submitters: Uncertain significance (2). Last evaluated 2025-10-27.

Conditions:
Cardiovascular phenotype. Identifiers: MedGen CN230736.
Brugada syndrome. Also called: Sudden unexplained nocturnal death syndrome; Sudden unexpected nocturnal death syndrome; Sudden Unexplained Death Syndrome; Sudden Unexplained Nocturnal Death Syndrome (SUNDS). Identifiers: Orphanet 130, MedGen C1142166, MONDO:0015263.

Allele frequency attached by ClinVar (database versions not stated): TOPMed below 0.00001.

Submissions (2):

Ambry Genetics
Classification: Uncertain significance for Cardiovascular phenotype. Last evaluated: 2025-10-27. Review status: criteria provided, single submitter. Criteria: Ambry Variant Classification Scheme 2023. Collection method: clinical testing. Allele origin: germline.
Comment: The p.F839S variant (also known as c.2516T>C), located in coding exon 15 of the SCN10A gene, results from a T to C substitution at nucleotide position 2516. The phenylalanine at codon 839 is replaced by serine, an amino acid with highly dissimilar properties. This amino acid position is conserved. In addition, this alteration is predicted to be deleterious by in silico analysis. Based on the available evidence, the clinical significance of this variant remains unclear.

Labcorp Genetics (formerly Invitae), Labcorp
Classification: Uncertain significance for Brugada syndrome. Last evaluated: 2021-04-23. Review status: criteria provided, single submitter. Criteria: Invitae Variant Classification Sherloc (09022015). Collection method: clinical testing. Allele origin: germline.
Comment: This variant has not been reported in the literature in individuals with SCN10A-related conditions. In summary, the available evidence is currently insufficient to determine the role of this variant in disease. Therefore, it has been classified as a Variant of Uncertain Significance. Advanced modeling of protein sequence and biophysical properties (such as structural, functional, and spatial information, amino acid conservation, physicochemical variation, residue mobility, and thermodynamic stability) performed at Invitae indicates that this missense variant is expected to disrupt SCN10A protein function. This variant is not present in population databases (ExAC no frequency). This sequence change replaces phenylalanine with serine at codon 839 of the SCN10A protein (p.Phe839Ser). The phenylalanine residue is highly conserved and there is a large physicochemical difference between phenylalanine and serine.